The following is an entry in ClinVar:

ClinVar aggregate classification (germline): Uncertain significance (1 of 4 stars; one submission).

Conditions:
Neurofibromatosis, type 1 (NF1). Also called: Peripheral type neurofibromatosis; VON RECKLINGHAUSEN DISEASE; NEUROFIBROMATOSIS, TYPE I, SOMATIC; Neurofibromatosis, type I. Identifiers: Orphanet 636, MedGen C0027831, MONDO:0018975, OMIM 162200. Disease mechanism: loss of function.

gnomAD v4.1: 1 of 1,614,038 alleles (0.000062%); highest among the groups gnomAD compares: Non-Finnish European, 0.000085%; no homozygotes.

Submission:

Labcorp Genetics (formerly Invitae), Labcorp
Classification: Uncertain significance for Neurofibromatosis, type 1. Last evaluated: 2018-06-08. Review status: criteria provided, single submitter. Criteria: Invitae Variant Classification Sherloc (09022015). Collection method: clinical testing. Allele origin: germline.
Comment: In summary, the available evidence is currently insufficient to determine the role of this variant in disease. Therefore, it has been classified as a Variant of Uncertain Significance. Algorithms developed to predict the effect of missense changes on protein structure and function are either unavailable or do not agree on the potential impact of this missense change (SIFT: "Deleterious"; PolyPhen-2: "Probably Damaging"; Align-GVGD: "Class C0"). This variant has not been reported in the literature in individuals with NF1-related disease. This variant is not present in population databases (ExAC no frequency). This sequence change replaces histidine with arginine at codon 1487 of the NF1 protein (p.His1487Arg). The histidine residue is highly conserved and there is a small physicochemical difference between histidine and arginine.

NM_001042492.3(NF1):c.4523A>G (p.His1508Arg)

Gene: NF1 (neurofibromin 1; plus strand). Cytogenetic location: 17q11.2.
Variant type: single nucleotide variant.
Coding change: c.4523A>G on transcript NM_001042492.3 (MANE Select); coding-DNA position 4523, A replaced by G.
Protein change: p.His1508Arg; replaces histidine 1508 with arginine.
Molecular consequence: missense variant.
Genome position (GRCh38, 1-based): chr17:31,260,461, A>G. VCF-style: chr17-31260461-A-G. GRCh37 (hg19) VCF-style: chr17-29587479-A-G.
Other names: c.4460A>G, p.His1487Arg (NM_000267.4); short protein forms H1487R, H1508R.
Identifiers: ClinVar variation 582409 (VCV000582409.5), dbSNP rs1254695587, ClinGen allele CA398999674.
Genomic context (GRCh38, chr17:31,260,461, plus strand): 5'-CAAGTGATGCAGTAAATCATAGTCTTTCCTTCATAAGTGACGGCAATGTGCTTGCTTTAC[A>G]TCGTCTACTCTGGAACAATCAGGAGAAAATTGGGCAGTATCTTTCCAGCAACAGGTAAGA-3'
Protein context (NP_001035957.1, residues 1498-1518): FISDGNVLAL[His1508Arg]RLLWNNQEKI